The following is an entry in ClinVar:

ClinVar aggregate classification (germline): Likely pathogenic (1 of 4 stars; one submission).

Conditions:
Cardiovascular phenotype. Identifiers: MedGen CN230736.

Submission:

Ambry Genetics
Classification: Likely pathogenic for Cardiovascular phenotype. Last evaluated: 2025-05-27. Review status: criteria provided, single submitter. Criteria: Ambry Variant Classification Scheme 2023. Collection method: clinical testing. Allele origin: germline.
Comment: The c.48482G>A (p.W16161*) alteration, located in exon 154 (coding exon 153) of the TTN gene, consists of a G to A substitution at nucleotide position 48482. This changes the amino acid from a tryptophan (W) to a stop codon at amino acid position 16161. This alteration is expected to result in loss of function by premature protein truncation or nonsense-mediated mRNA decay. This variant was not reported in population-based cohorts in the Genome Aggregation Database (gnomAD). This exon is located in the A-band region of the N2-B isoform of the titin protein and is constitutively expressed in TTN transcripts (percent spliced in or PSI 100%). While truncating variants in TTN are present in 1-3% of the general population, truncating variants in the A-band are the most common cause of dilated cardiomyopathy (Herman, 2012; Roberts, 2015). TTN truncating variants encoded in constitutive exons (PSI >90%) have been found to be significantly associated with DCM regardless of their position in titin (Schafer, 2017; Akhtar, 2020; Massier, 2025). Based on the available evidence, this alteration is classified as likely pathogenic.

Literature cited by the submitters: PubMed 22335739; PubMed 25589632; PubMed 27869827; PubMed 32964742; PubMed 39844436.

NM_001267550.2(TTN):c.75677G>A (p.Trp25226Ter)

Genes: TTN (titin; minus strand), TTN-AS1 (TTN antisense RNA 1; plus strand). Cytogenetic location: 2q31.2.
Variant type: single nucleotide variant.
Coding change: c.75677G>A on transcript NM_001267550.2 (MANE Select); coding-DNA position 75677, G replaced by A.
Protein change: p.Trp25226Ter; replaces tryptophan 25226 with a stop codon.
Molecular consequence: nonsense.
Genome position (GRCh38, 1-based): chr2:178,570,455, C>T on the plus strand (G>A on the coding strand, the complement: TTN is on the minus strand). VCF-style: chr2-178570455-C-T. GRCh37 (hg19) VCF-style: chr2-179435182-C-T.
Other names: c.70754G>A, p.Trp23585Ter (NM_001256850.1); c.48482G>A, p.Trp16161Ter (NM_003319.4); c.67973G>A, p.Trp22658Ter (NM_133378.4); c.48857G>A, p.Trp16286Ter (NM_133432.3); c.49058G>A, p.Trp16353Ter (NM_133437.4); short protein forms W25226*, W16161*, W16286*, W16353*, W22658*, W23585*.
Identifiers: ClinVar variation 3975872 (VCV003975872.1).